The following is an entry in ClinVar:

NM_000092.5(COL4A4):c.2969G>A (p.Gly990Asp)

Gene: COL4A4 (collagen type IV alpha 4 chain; minus strand). Cytogenetic location: 2q36.3.
Variant type: single nucleotide variant.
Coding change: c.2969G>A on transcript NM_000092.5 (MANE Select); coding-DNA position 2969, G replaced by A.
Protein change: p.Gly990Asp; replaces glycine 990 with aspartic acid.
Molecular consequence: missense variant.
Genome position (GRCh38, 1-based): chr2:227,051,158, C>T on the plus strand (G>A on the coding strand, the complement: COL4A4 is on the minus strand). VCF-style: chr2-227051158-C-T. GRCh37 (hg19) VCF-style: chr2-227915874-C-T.
Other names: short protein forms G990D.
Identifiers: ClinVar variation 2578899 (VCV002578899.25), dbSNP rs759591544, ClinGen allele CA2144657.

ClinVar aggregate classification (germline): Conflicting classifications of pathogenicity. Review status: criteria provided, conflicting classifications (1 of 4 stars). 2 submissions from 2 submitters: Likely pathogenic (1); Uncertain significance (1). Last evaluated 2023-07-01.

Conditions:
Autosomal recessive Alport syndrome (ATS2). Also called: COL4A4 Alport Syndrome and Thin Basement Membrane Nephropathy; ALPORT SYNDROME 2, AUTOSOMAL RECESSIVE; COL4A3-Related Nephropathy; Alport syndrome type 2. Identifiers: Orphanet 63, Orphanet 88919, MedGen C4746745, MONDO:0008762, OMIM 203780.

Allele frequency attached by ClinVar (database versions not stated): ExAC 0.00002.
gnomAD v4.1: 12 of 1,614,094 alleles (0.00074%); highest among the groups gnomAD compares: South Asian, 0.013%; 1 homozygote.

Submissions (2):

CeGaT Center for Human Genetics Tuebingen
Classification: Likely pathogenic. Last evaluated: 2023-07-01. Review status: criteria provided, single submitter. Criteria: CeGaT Center For Human Genetics Tuebingen Variant Classification Criteria Version 2. Collection method: clinical testing. Allele origin: germline. Affected: yes. Observed: 1 variant allele.
Comment: COL4A4: PM1:Strong, PM2, PM3:Supporting

Neuberg Centre For Genomic Medicine, NCGM
Classification: Uncertain significance for Autosomal recessive Alport syndrome. Last evaluated: 2023-05-20. Review status: criteria provided, single submitter. Criteria: ACMG Guidelines, 2015. Collection method: clinical testing. Allele origin: germline. Inheritance: Autosomal recessive inheritance. Affected: yes.
Comment: The missense variant c.2969G>A(p.Gly990Asp) in COL4A4 gene has been reported in individual affected with COL4A4 related disorders (Gibson J et. al., 2021). The observed variant is reported with allele frequency of 0.002% in gnomAD exomes database. This variant has not been reported to the ClinVar database. Multiple lines of computational evidence (Polyphen - probably damaging , SIFT - damaging and MutationTaster - disease causing) predict a damaging effect on protein structure and function for this variant. The amino acid change p.Gly990Asp in COL4A4 is predicted as conserved by GERP++ and PhyloP across 100 vertebrates. The amino acid Gly at position 990 is changed to a Asp changing protein sequence and it might alter its composition and physico-chemical properties. For these reasons, this variant has been classified as Uncertain Significance (VUS). In the absence of another reportable variant in COL4A4 gene, the molecular diagnosis is not confirmed.